The following is an entry in ClinVar:

NM_058216.3(RAD51C):c.404G>C (p.Cys135Ser)

Gene: RAD51C (RAD51 paralog C; plus strand). Cytogenetic location: 17q22.
Variant type: single nucleotide variant.
Coding change: c.404G>C on transcript NM_058216.3 (MANE Select); coding-DNA position 404, G replaced by C.
Protein change: p.Cys135Ser; replaces cysteine 135 with serine.
Molecular consequence: missense variant. On other transcripts: non-coding transcript variant (2).
Genome position (GRCh38, 1-based): chr17:58,695,189, G>C. VCF-style: chr17-58695189-G-C. GRCh37 (hg19) VCF-style: chr17-56772550-G-C.
Other names: c.404G>C, p.Trp135Ser (NM_002876.4); short protein forms C135S, W135S.
Identifiers: ClinVar variation 418441 (VCV000418441.29), dbSNP rs767796996, ClinGen allele CA16620494.
Genomic context (GRCh38, chr17:58,695,189, plus strand): 5'-TGCCCTTAATGAAAACAACAGAAATTTGTGGTGCACCAGGTGTTGGAAAAACACAATTAT[G>C]GTAAAATAAAGTGTTCTCCTTTTAAGGGTGGGTTTAATAACATATTATGAAAGTAGTATT-3'
Protein context (NP_478123.1, residues 125-145): GAPGVGKTQL[Cys135Ser]MQLAVDVQIP

ClinVar aggregate classification (germline): Pathogenic/Likely pathogenic. Review status: criteria provided, multiple submitters, no conflicts (2 of 4 stars). 9 submissions from 9 submitters: Pathogenic (3); Likely pathogenic (6). Last evaluated 2026-01-08.

Conditions:
Hereditary cancer-predisposing syndrome. Also called: Tumor predisposition; Hereditary neoplastic syndrome; Hereditary Cancer Syndrome; Neoplastic Syndromes, Hereditary. Identifiers: Orphanet 140162, MedGen C0027672, MeSH D009386, MONDO:0015356.
Fanconi anemia complementation group O. Also called: RAD51C-Related Fanconi Anemia. Identifiers: Orphanet 84, MedGen C3150653, MONDO:0013248, OMIM 613390.
Breast-ovarian cancer, familial, susceptibility to, 3. Also called: RAD51C-Related Breast/Ovarian Cancer. Identifiers: Orphanet 145, MedGen C3150659, MONDO:0013253, OMIM 613399.

Submissions (9):

Praxis Für Humangenetik, Biosciencia MVZ Labor Saar
Classification: Pathogenic for Hereditary cancer-predisposing syndrome. Last evaluated: 2026-01-08. Review status: criteria provided, single submitter. Criteria: ACMG Guidelines, 2015. Collection method: clinical testing. Allele origin: germline.
Comment: PVS1, PM2, PP3, PP1

Labcorp Genetics (formerly Invitae), Labcorp
Classification: Pathogenic for Fanconi anemia complementation group O. Last evaluated: 2025-11-12. Review status: criteria provided, single submitter. Criteria: Invitae Variant Classification Sherloc (09022015). Collection method: clinical testing. Allele origin: germline.
Comment: This sequence change replaces cysteine, which is neutral and slightly polar, with serine, which is neutral and polar, at codon 135 of the RAD51C protein (p.Cys135Ser). RNA analysis indicates that this missense change induces altered splicing and may result in an absent or altered protein product. This variant is not present in population databases (gnomAD no frequency). This missense change has been observed in individual(s) with breast cancer and ovarian cancer (PMID: 27622768; internal data). ClinVar contains an entry for this variant (Variation ID: 418441). An algorithm developed to predict the effect of missense changes on protein structure and function (PolyPhen-2) suggests that this variant is likely to be disruptive. Variants that disrupt the consensus splice site are a relatively common cause of aberrant splicing (PMID: 17576681, 9536098). Studies have shown that this missense change results in activation of a cryptic splice site, and produces a non-functional protein and/or introduces a premature termination codon (PMID: 27622768; internal data). This variant disrupts the c.404G nucleotide in the RAD51C gene. Other variant(s) that disrupt this nucleotide have been determined to be pathogenic (PMID: 22451500, 27622768, 29409816; internal data). This suggests that this nucleotide is clinically significant, and that variants that disrupt this position are likely to be disease-causing. For these reasons, this variant has been classified as Pathogenic.

Myriad Genetics, Inc.
Classification: Likely pathogenic for Breast-ovarian cancer, familial, susceptibility to, 3. Last evaluated: 2024-01-02. Review status: criteria provided, single submitter. Criteria: Myriad Autosomal Dominant, Autosomal Recessive and X-Linked Classification Criteria (2023). Collection method: clinical testing. Allele origin: unknown.
Comment: This variant is considered likely pathogenic. mRNA analysis has demonstrated abnormal mRNA splicing occurs [PMID: 27622768].

GeneDx
Classification: Likely pathogenic. Last evaluated: 2023-10-25. Review status: criteria provided, single submitter. Criteria: GeneDx Variant Classification Process June 2021. Collection method: clinical testing. Allele origin: germline. Affected: yes.
Comment: Not observed at significant frequency in large population cohorts (gnomAD); Observed in individuals with personal and family history of breast or ovarian cancer (PMID: 27622768); Located at the last nucleotide of the exon and demonstrated to result in aberrant splicing (PMID: 33333735, 27622768); This variant is associated with the following publications: (PMID: 27622768, 31782267, 33333735, 14704354, 31341520, 34923718)

Human Genetics Bochum, Ruhr University Bochum
Classification: Likely pathogenic for Breast-ovarian cancer, familial, susceptibility to, 3. Last evaluated: 2023-08-17. Review status: criteria provided, single submitter. Criteria: ACMG Guidelines, 2015. Collection method: clinical testing. Allele origin: germline. Affected: yes.
Comment: ACMG criteria used to clasify this variant:PVS1_STR, PM5, PS3_SUP, PS4_SUP, PM2_SUP, PP3

Ambry Genetics
Classification: Pathogenic for Hereditary cancer-predisposing syndrome. Last evaluated: 2023-08-14. Review status: criteria provided, single submitter. Criteria: Ambry Variant Classification Scheme 2023. Collection method: clinical testing. Allele origin: germline.
Comment: The c.404G>C pathogenic mutation (also known as p.C135S), located in coding exon 2 of the RAD51C gene, results from a G to C substitution at nucleotide position 404. The amino acid change results in cysteine to serine at codon 135, an amino acid with dissimilar properties. However, this change occurs in the last base pair of coding exon 2, which makes it likely to have some effect on normal mRNA splicing. In silico splice site analysis predicts that this alteration will weaken the native splice donor site. RNA analyses have shown that this alteration leads to the insertion of 27 nucleotides of intronic sequence between exons 2 and 3 and introduces a premature stop codon (Neidhardt G et al. Eur. J. Cancer Prev. 2017 Mar;26:165-169, Ambry internal data). This alteration has been identified in two female probands with breast cancer and family histories of breast or breast and ovarian cancer (Neidhardt G et al. Eur. J. Cancer Prev. 2017 Mar;26:165-169). Based on the supporting evidence, this alteration is interpreted as a disease-causing mutation.

Quest Diagnostics Nichols Institute San Juan Capistrano
Classification: Likely pathogenic. Last evaluated: 2023-04-20. Review status: criteria provided, single submitter. Criteria: Quest Diagnostics criteria. Collection method: clinical testing. Allele origin: unknown.
Comment: This variant has not been reported in large, multi-ethnic general populations. In the published literature, the variant has been reported in individuals with breast cancer (PMID: 27622768 (2017)). In a large-scale breast cancer association study, the variant was seen in an individual with breast cancer (PMID: 33471991 (2021), see also LOVD). Published functional studies show that this variant creates an aberrant isoform resulting in reduced expression levels of the RAD51C protein in affected individuals (PMID: 27622768 (2017)). Analysis of this variant using bioinformatics tools for the prediction of the effect of amino acid changes on protein structure and function yielded predictions that this variant is damaging. Based on the available information, this variant is classified as likely pathogenic.

Color Diagnostics, LLC DBA Color Health
Classification: Likely pathogenic for Hereditary cancer-predisposing syndrome. Last evaluated: 2021-04-26. Review status: criteria provided, single submitter. Criteria: ACMG Guidelines, 2015. Collection method: clinical testing. Allele origin: germline.
Comment: This variant causes a G to C nucleotide substitution at the last nucleotide of exon 2 of the RAD51C gene and replaces cysteine with serine at codon 135 of the RAD51C protein. Computational prediction tool suggests that this variant may not impact protein structure and function (internally defined REVEL score threshold <=0.5, PMID: 27666373). Splice site prediction tools suggest that this variant may have a significant impact on RNA splicing. An RNA study using carrier-derived RNA has shown that the variant leads to the use of an alternative splice donor site, resulting in the inclusion of the first 27 nucleotides of intron 2 in the RNA transcript (PMID: 27622768). The aberrant transcript is predicted to create a premature translation stop signal and is expected to result in an absent or non-functional protein product. This variant has been reported in individuals affected with breast cancer (PMID: 27622768). This variant has not been identified in the general population by the Genome Aggregation Database (gnomAD). Loss of RAD51C function is a known mechanism of disease. Based on the available evidence, this variant is classified as Likely Pathogenic.

Revvity Omics, Revvity
Classification: Likely pathogenic for Fanconi anemia complementation group O. Last evaluated: 2019-12-23. Review status: criteria provided, single submitter. Criteria: ACMG Guidelines, 2015. Collection method: clinical testing. Allele origin: germline.

Literature cited by the submitters: PubMed 27622768 (cited by 4 submitters); PubMed 17576681 (cited by Labcorp Genetics (formerly Invitae), Labcorp); PubMed 9536098 (cited by Labcorp Genetics (formerly Invitae), Labcorp); PubMed 22451500 (cited by Labcorp Genetics (formerly Invitae), Labcorp and Ambry Genetics); PubMed 29409816 (cited by Labcorp Genetics (formerly Invitae), Labcorp); PubMed 33471991 (cited by Quest Diagnostics Nichols Institute San Juan Capistrano).